The following is an entry in ClinVar:

ClinVar aggregate classification (germline): Uncertain significance. Review status: criteria provided, multiple submitters, no conflicts (2 of 4 stars). 2 submissions from 2 submitters: Uncertain significance (2). Last evaluated 2025-03-04.

Conditions:
Hereditary cancer-predisposing syndrome. Also called: Tumor predisposition; Neoplastic Syndromes, Hereditary; Hereditary Cancer Syndrome; Hereditary neoplastic syndrome. Identifiers: Orphanet 140162, MedGen C0027672, MeSH D009386, MONDO:0015356.

Submissions (2):

Ambry Genetics
Classification: Uncertain significance for Hereditary cancer-predisposing syndrome. Last evaluated: 2025-03-04. Review status: criteria provided, single submitter. Criteria: Ambry Variant Classification Scheme 2023. Collection method: clinical testing. Allele origin: germline.
Comment: The p.Y313C variant (also known as c.938A>G), located in coding exon 7 of the ATM gene, results from an A to G substitution at nucleotide position 938. The tyrosine at codon 313 is replaced by cysteine, an amino acid with highly dissimilar properties. This amino acid position is well conserved in available vertebrate species. In addition, this alteration is predicted to be tolerated by in silico analysis. Based on the available evidence, the clinical significance of this variant remains unclear.

GeneDx
Classification: Uncertain significance. Last evaluated: 2019-10-25. Review status: criteria provided, single submitter. Criteria: GeneDx Variant Classification Process June 2021. Collection method: clinical testing. Allele origin: germline. Affected: yes.
Comment: Not observed in large population cohorts (Lek 2016); In silico analysis, which includes protein predictors and evolutionary conservation, supports a deleterious effect; Has not been previously published as pathogenic or benign to our knowledge

NM_000051.4(ATM):c.938A>G (p.Tyr313Cys)

Gene: ATM (ATM serine/threonine kinase; plus strand). Cytogenetic location: 11q22.3.
Variant type: single nucleotide variant.
Coding change: c.938A>G on transcript NM_000051.4 (MANE Select); coding-DNA position 938, A replaced by G.
Protein change: p.Tyr313Cys; replaces tyrosine 313 with cysteine.
Molecular consequence: missense variant.
Genome position (GRCh38, 1-based): chr11:108,247,000, A>G. VCF-style: chr11-108247000-A-G. GRCh37 (hg19) VCF-style: chr11-108117727-A-G.
Other names: c.938A>G, p.Tyr313Cys (NM_001351834.2); short protein forms Y313C.
Identifiers: ClinVar variation 1309857 (VCV001309857.5), dbSNP rs2135265521, ClinGen allele CA382530749.
Genomic context (GRCh38, chr11:108,247,000, plus strand): 5'-ACATTTTAATTTTTTGGATTACAGGTGCTTATGAATCAACAAAATGGAGAAGTATTTTAT[A>G]CAACTTATATGATCTGCTAGTGAATGAGATAAGTCATATAGGAAGTAGAGGAAAGTATTC-3'
Protein context (NP_000042.3, residues 303-323): YESTKWRSIL[Tyr313Cys]NLYDLLVNEI